The following is an entry in ClinVar:

NM_000264.5(PTCH1):c.247T>A (p.Phe83Ile)

Gene: PTCH1 (patched 1; minus strand). Cytogenetic location: 9q22.32.
Variant type: single nucleotide variant.
Coding change: c.247T>A on transcript NM_000264.5 (MANE Select); coding-DNA position 247, T replaced by A.
Protein change: p.Phe83Ile; replaces phenylalanine 83 with isoleucine.
Molecular consequence: missense variant. On other transcripts: 5 prime UTR variant (4), non-coding transcript variant (1).
Genome position (GRCh38, 1-based): chr9:95,506,554, A>T on the plus strand (T>A on the coding strand, the complement: PTCH1 is on the minus strand). VCF-style: chr9-95506554-A-T. GRCh37 (hg19) VCF-style: chr9-98268836-A-T.
Other names: c.49T>A, p.Phe17Ile (NM_001083602.3, NM_001354919.2); c.244T>A, p.Phe82Ile (NM_001083603.3); c.-207T>A (NM_001083604.3, NM_001083605.3, NM_001083606.3 and 1 more transcripts); c.247T>A, p.Phe83Ile (NM_001354918.2); short protein forms F83I, F17I, F82I.
Identifiers: ClinVar variation 5027475 (VCV005027475.1).

ClinVar aggregate classification (germline): Uncertain significance (1 of 4 stars; one submission).

Conditions:
Hereditary cancer-predisposing syndrome. Also called: Neoplastic Syndromes, Hereditary; Tumor predisposition; Hereditary neoplastic syndrome; Hereditary Cancer Syndrome. Identifiers: Orphanet 140162, MedGen C0027672, MeSH D009386, MONDO:0015356.

Submission:

Ambry Genetics
Classification: Uncertain significance for Hereditary cancer-predisposing syndrome. Last evaluated: 2026-07-06. Review status: criteria provided, single submitter. Criteria: Ambry Variant Classification Scheme 2023. Collection method: clinical testing. Allele origin: germline.
Comment: The p.F17I variant (also known as c.49T>A), located in coding exon 2 of the PTCH1 gene, results from a T to A substitution at nucleotide position 49. The phenylalanine at codon 17 is replaced by isoleucine, an amino acid with highly similar properties. This amino acid position is conserved. In addition, this alteration is predicted to be deleterious by in silico analysis. Based on the available evidence, the clinical significance of this variant remains unclear.